The following is an entry in ClinVar:

NM_015166.4(MLC1):c.634G>A (p.Gly212Arg)

Gene: MLC1 (modulator of VRAC current 1; minus strand). Cytogenetic location: 22q13.33.
Variant type: single nucleotide variant.
Coding change: c.634G>A on transcript NM_015166.4 (MANE Select); coding-DNA position 634, G replaced by A.
Protein change: p.Gly212Arg; replaces glycine 212 with arginine.
Molecular consequence: missense variant. On other transcripts: non-coding transcript variant (3).
Genome position (GRCh38, 1-based): chr22:50,074,296, C>T on the plus strand (G>A on the coding strand, the complement: MLC1 is on the minus strand). VCF-style: chr22-50074296-C-T. GRCh37 (hg19) VCF-style: chr22-50512725-C-T.
Other names: c.634G>A, p.Gly212Arg (NM_001376472.1, NM_001376473.1, NM_001376474.1 and 6 more transcripts); c.544G>A, p.Gly182Arg (NM_001376480.1); c.532G>A, p.Gly178Arg (NM_001376481.1); c.478G>A, p.Gly160Arg (NM_001376482.1, NM_001376483.1); c.397G>A, p.Gly133Arg (NM_001376484.1); short protein forms G212R, G133R, G160R, G178R, G182R.
Identifiers: ClinVar variation 68794 (VCV000068794.15), dbSNP rs281875317, ClinGen allele CA219967.

ClinVar aggregate classification (germline): Pathogenic/Likely pathogenic. Review status: criteria provided, multiple submitters, no conflicts (2 of 4 stars). 7 submissions from 7 submitters: Pathogenic (4); Likely pathogenic (1). 2 of the submissions do not count toward it. Last evaluated 2024-01-02.

Conditions:
Megalencephalic leukoencephalopathy with subcortical cysts. Also called: VAN DER KNAAP DISEASE. Identifiers: Orphanet 2478, MedGen C1858854, MONDO:0011391.
Megalencephalic leukoencephalopathy with subcortical cysts 1 (MLC1). Also called: LEUKOENCEPHALOPATHY WITH SWELLING AND CYSTS; VACUOLATING MEGALENCEPHALIC LEUKOENCEPHALOPATHY WITH SUBCORTICAL CYSTS. Identifiers: Orphanet 2478, MedGen C5779875, MONDO:0024555, OMIM 604004.

Allele frequency attached by ClinVar (database versions not stated): TOPMed below 0.00001; ExAC 0.00001; gnomAD exomes below 0.00001.
gnomAD v4.1: 2 of 1,614,134 alleles (0.00012%); highest among the groups gnomAD compares: Non-Finnish European, 0.000085%; no homozygotes.

Submissions (7):

Institute of Human Genetics, University of Leipzig Medical Center
Classification: Pathogenic for Megalencephalic leukoencephalopathy with subcortical cysts 1. Last evaluated: 2024-01-02. Review status: criteria provided, single submitter. Criteria: ACMG Guidelines, 2015. Collection method: clinical testing. Allele origin: unknown. Inheritance: Autosomal recessive inheritance. Affected: yes.
Comment: Criteria applied: PS1,PS3,PM3,PM5,PM2_SUP,PP4

Women's Health and Genetics/Laboratory Corporation of America, LabCorp
Classification: Likely pathogenic for Megalencephalic leukoencephalopathy with subcortical cysts. Last evaluated: 2023-05-05. Review status: criteria provided, single submitter. Criteria: LabCorp Variant Classification Summary - May 2015. Collection method: clinical testing. Allele origin: germline.
Comment: Variant summary: MLC1 c.634G>A (p.Gly212Arg) results in a non-conservative amino acid change in the encoded protein sequence. Five of five in-silico tools predict a damaging effect of the variant on protein function. The variant allele was found at a frequency of 4e-06 in 250780 control chromosomes. c.634G>A has been reported in the literature in homozygous and compound heterozygous individuals affected with Megalencephalic Leukoencephalopathy With Subcortical Cysts 1 (Leegwater_2001, Yuzbasioglu_2011, Cao_2016) with second reported alleles both pathogenic and uncertain significance. These data indicate that the variant is likely to be associated with disease. One publication reports experimental evidence showing severely reduced (<10% WT levels) presence of the protein at the plasma membrane, however, does not allow convincing conclusions about the variant effect (Duarri_2008). The following publications have been ascertained in the context of this evaluation (PMID: 27322623, 18757878, 11254442, 21145992). Three clinical diagnostic laboratories have submitted clinical-significance assessments for this variant to ClinVar after 2014 without evidence for independent evaluation. All laboratories classified the variant as pathogenic (n=2) or likely pathogenic (n=1). Based on the evidence outlined above, the variant was classified as likely pathogenic.

Rare Genetic Disease Lab, Dept of Zoology, Government Postgraduate College Dargai Malakand, Higher Education Govt. of Khyber Pakhtunkhwa
Classification: Pathogenic for Megalencephalic leukoencephalopathy with subcortical cysts 1. Last evaluated: 2022-12-06. Review status: criteria provided, single submitter. Criteria: ACMG Guidelines, 2015. Collection method: research. Allele origin: germline. Inheritance: Autosomal recessive inheritance. Affected: yes. Observed: 1 homozygote.

Labcorp Genetics (formerly Invitae), Labcorp
Classification: Pathogenic. Last evaluated: 2022-06-28. Review status: criteria provided, single submitter. Criteria: Invitae Variant Classification Sherloc (09022015). Collection method: clinical testing. Allele origin: germline.
Comment: Advanced modeling of protein sequence and biophysical properties (such as structural, functional, and spatial information, amino acid conservation, physicochemical variation, residue mobility, and thermodynamic stability) performed at Invitae indicates that this missense variant is expected to disrupt MLC1 protein function. Algorithms developed to predict the effect of sequence changes on RNA splicing suggest that this variant may create or strengthen a splice site. Studies have shown that this missense change alters MLC1 gene expression (PMID: 18757878). This variant is present in population databases (rs281875317, gnomAD 0.0009%). ClinVar contains an entry for this variant (Variation ID: 68794). This missense change has been observed in individuals with megalencephalic leukoencephalopathy with subcortical cysts (PMID: 11254442, 21145992, 27322623). This sequence change replaces glycine, which is neutral and non-polar, with arginine, which is basic and polar, at codon 212 of the MLC1 protein (p.Gly212Arg). For these reasons, this variant has been classified as Pathogenic. This variant disrupts the p.Gly212 amino acid residue in MLC1. Other variant(s) that disrupt this residue have been observed in individuals with MLC1-related conditions (PMID: 11254442, 11935341, 21145992, 27322623), which suggests that this may be a clinically significant amino acid residue.

3billion
Classification: Pathogenic for Megalencephalic leukoencephalopathy with subcortical cysts 1. Last evaluated: 2022-03-22. Review status: criteria provided, single submitter. Criteria: ACMG Guidelines, 2015. Collection method: clinical testing. Allele origin: germline. Affected: yes. Observed: 1 homozygote.
Comment: Same nucleotide change resulting in same amino acid change has been previously reported as pathogenic/likely pathogenic with strong evidence (ClinVar ID: VCV000068794,VCV000553381, PMID:11254442). The variant has been reported to be in trans with a pathogenic variant as either compound heterozygous or homozygous in at least 2 similarly affected unrelated individuals (PMID: 11254442, 21145992, 27322623). Functional assays showed that the variant had moderate level of impact on gene/protein function (PMID: 15367490, 18757878). Different pathogenic/likely pathogenic amino acid change has been reported with supporting evidence at the same codon (PMID:11935341). In silico tool predictions suggest damaging effect of the variant on gene or gene product (REVEL: 0.902>=0.6, 3CNET: 0.797>=0.75). The variant is observed at an extremely low frequency in the gnomAD v2.1.1 dataset (total allele frequency: 0.0000040). Therefore, this variant is classified as pathogenic according to the recommendation of ACMG/AMP guideline.

Counsyl
Classification: Likely pathogenic for Megalencephalic leukoencephalopathy with subcortical cysts 1. Last evaluated: 2016-07-22. Review status: no assertion criteria provided. Collection method: clinical testing. Allele origin: unknown. Not counted in ClinVar's aggregate classification.

UniProtKB/Swiss-Prot
No classification provided. Review status: no classification provided. Collection method: not provided. Allele origin: not provided. Not counted in ClinVar's aggregate classification.

Literature cited by the submitters: PubMed 18757878 (cited by 3 submitters); PubMed 27322623 (cited by 4 submitters); PubMed 21145992 (cited by 4 submitters); PubMed 11254442 (cited by 4 submitters); PubMed 11935341 (cited by Labcorp Genetics (formerly Invitae), Labcorp and 3billion); PubMed 15367490 (cited by 3billion and Counsyl).